The following is an entry in ClinVar:

ClinVar aggregate classification (germline): Likely benign. Review status: criteria provided, multiple submitters, no conflicts (2 of 4 stars). 7 submissions from 7 submitters: Likely benign (7). Last evaluated 2026-07-23.

Conditions:
MYH7-related disorder. Also called: MYH7-related disorders; MYH7-related condition; MYH7-related disease.
Cardiovascular phenotype. Identifiers: MedGen CN230736.
Cardiomyopathy (CMYO). Also called: Cardiomyopathies. Identifiers: Orphanet 167848, MedGen C0878544, MONDO:0004994, HP:0001638. Inheritance: Various modes of inheritance.
Hypertrophic cardiomyopathy. Also called: HYPERTROPHIC MYOCARDIOPATHY. Identifiers: Orphanet 217569, MedGen C0007194, MeSH D002312, MONDO:0005045, HP:0001639.

Allele frequency attached by ClinVar (database versions not stated): gnomAD exomes 0.00005; TOPMed 0.00009; 1000 Genomes Project 30x 0.00016; 1000 Genomes Project 0.00040; ExAC 0.00054.
gnomAD v4.1: 49 of 1,612,276 alleles (0.003%); highest among the groups gnomAD compares: African/African-American, 0.027%; no homozygotes.

Submissions (7):

PreventionGenetics, part of Exact Sciences
Classification: Likely benign for MYH7-related condition. Last evaluated: 2026-07-23. Review status: criteria provided, single submitter. Criteria: ACMG Guidelines, 2015. Collection method: clinical testing. Allele origin: germline.
Comment: This variant is classified as likely benign based on ACMG/AMP sequence variant interpretation guidelines (Richards et al. 2015 PMID: 25741868, with internal and published modifications).

Labcorp Genetics (formerly Invitae), Labcorp
Classification: Likely benign for Hypertrophic cardiomyopathy. Last evaluated: 2026-01-26. Review status: criteria provided, single submitter. Criteria: Invitae Variant Classification Sherloc (09022015). Collection method: clinical testing. Allele origin: germline.

ARUP Laboratories, Molecular Genetics and Genomics, ARUP Laboratories
Classification: Likely benign. Last evaluated: 2025-03-26. Review status: criteria provided, single submitter. Criteria: ARUP Molecular Germline Variant Investigation Process 2024. Collection method: clinical testing. Allele origin: germline.

All of Us Research Program, National Institutes of Health
Classification: Likely benign for Cardiomyopathy. Last evaluated: 2023-12-01. Review status: criteria provided, single submitter. Criteria: ACMG Guidelines, 2015. Collection method: clinical testing. Allele origin: germline. Inheritance: Autosomal dominant inheritance. Observed: 8 variant alleles, 8 heterozygotes.
Comment: This study involves interpretation of variants in research participants for the purpose of population health screening. Participant phenotype was not available at the time of variant classification. Additional details can be found in publication PMID: 35346344, PMCID: PMC8962531

Ambry Genetics
Classification: Likely benign for Cardiovascular phenotype. Last evaluated: 2020-09-17. Review status: criteria provided, single submitter. Criteria: Ambry Variant Classification Scheme 2023. Collection method: clinical testing. Allele origin: germline.

GeneDx
Classification: Likely benign. Last evaluated: 2019-10-28. Review status: criteria provided, single submitter. Criteria: GeneDx Variant Classification Process June 2021. Collection method: clinical testing. Allele origin: germline. Affected: yes.

Color Diagnostics, LLC DBA Color Health
Classification: Likely benign for Cardiomyopathy. Last evaluated: 2018-11-27. Review status: criteria provided, single submitter. Criteria: ACMG Guidelines, 2015. Collection method: clinical testing. Allele origin: germline.

NM_000257.4(MYH7):c.4347C>T (p.Phe1449=)

Genes: MHRT (myosin heavy chain associated RNA transcript; plus strand), MYH7 (myosin heavy chain 7; minus strand). Cytogenetic location: 14q11.2.
Variant type: single nucleotide variant.
Coding change: c.4347C>T on transcript NM_000257.4 (MANE Select); coding-DNA position 4347, C replaced by T.
Protein change: p.Phe1449=; no amino-acid change (phenylalanine 1449 retained).
Molecular consequence: synonymous variant.
Genome position (GRCh38, 1-based): chr14:23,417,509, G>A on the plus strand (C>T on the coding strand, the complement: MYH7 is on the minus strand). VCF-style: chr14-23417509-G-A. GRCh37 (hg19) VCF-style: chr14-23886718-G-A.
Other names: c.4347C>T (LRG_384t1).
Identifiers: ClinVar variation 263348 (VCV000263348.24), dbSNP rs182311329, ClinGen allele CA041696.